The following is an entry in ClinVar:

ClinVar aggregate classification (germline): Uncertain significance (1 of 4 stars; one submission).

Submission:

GeneDx
Classification: Uncertain significance. Last evaluated: 2026-03-30. Review status: criteria provided, single submitter. Criteria: GeneDx Variant Classification Process June 2021. Collection method: clinical testing. Allele origin: germline.
Comment: Not observed at significant frequency in large population cohorts (gnomAD); In silico analysis supports that this missense variant has a deleterious effect on protein structure/function; Has not been previously published as pathogenic or benign to our knowledge

NM_001395656.1(ROBO2):c.1010T>G (p.Phe337Cys)

Gene: ROBO2 (roundabout guidance receptor 2; plus strand). Cytogenetic location: 3p12.3.
Variant type: single nucleotide variant.
Coding change: c.1010T>G on transcript NM_001395656.1 (MANE Select); coding-DNA position 1010, T replaced by G.
Protein change: p.Phe337Cys; replaces phenylalanine 337 with cysteine.
Molecular consequence: missense variant. On other transcripts: 5 prime UTR variant (1).
Genome position (GRCh38, 1-based): chr3:77,546,401, T>G. VCF-style: chr3-77546401-T-G. GRCh37 (hg19) VCF-style: chr3-77595552-T-G.
Other names: c.1046T>G, p.Phe349Cys (NM_001128929.3); c.1010T>G, p.Phe337Cys (NM_001290039.2, NM_001290040.2, NM_001378202.1); c.-921T>G (NM_001290065.2); c.1058T>G, p.Phe353Cys (NM_001378190.1, NM_001378191.1, NM_001378195.1 and 4 more transcripts); c.1079T>G, p.Phe360Cys (NM_001378192.1, NM_001378194.1, NM_001378198.1 and 2 more transcripts); c.998T>G, p.Phe333Cys (NM_001378193.1, NM_001378197.1, NM_002942.5); c.1067T>G, p.Phe356Cys (NM_001394212.1, NM_001394214.1, NM_001395657.1); short protein forms F333C, F337C, F349C, F353C, F356C, F360C.
Identifiers: ClinVar variation 5017932 (VCV005017932.1).
Genomic context (GRCh38, chr3:77,546,401, plus strand): 5'-CCCCACAGTTTGTGGTTCGGCCAAGAGATCAGATTGTTGCTCAAGGTCGAACAGTGACAT[T>G]TCCCTGTGAAACTAAAGGAAACCCACAGCCAGCTGTTTTTTGGCAGAAAGAAGGCAGCCA-3'
Protein context (NP_001382585.1, residues 327-347): QIVAQGRTVT[Phe337Cys]PCETKGNPQP